The following is an entry in ClinVar:

ClinVar aggregate classification (germline): Uncertain significance (1 of 4 stars; one submission).

Conditions:
Rafiq syndrome (RAFQS). Identifiers: Orphanet 88616, MedGen C3280127, MONDO:0013624, OMIM 614202.

Allele frequency attached by ClinVar (database versions not stated): ExAC 0.00007.
gnomAD v4.1: 31 of 1,613,406 alleles (0.0019%); highest among the groups gnomAD compares: Non-Finnish European, 0.0022%; no homozygotes.

Submission:

Labcorp Genetics (formerly Invitae), Labcorp
Classification: Uncertain significance for Rafiq syndrome. Last evaluated: 2022-11-14. Review status: criteria provided, single submitter. Criteria: Invitae Variant Classification Sherloc (09022015). Collection method: clinical testing. Allele origin: germline.
Comment: This sequence change replaces histidine, which is basic and polar, with tyrosine, which is neutral and polar, at codon 497 of the MAN1B1 protein (p.His497Tyr). This variant is present in population databases (rs779058964, gnomAD 0.009%). This variant has not been reported in the literature in individuals affected with MAN1B1-related conditions. Algorithms developed to predict the effect of missense changes on protein structure and function (SIFT, PolyPhen-2, Align-GVGD) all suggest that this variant is likely to be tolerated. In summary, the available evidence is currently insufficient to determine the role of this variant in disease. Therefore, it has been classified as a Variant of Uncertain Significance.

NM_016219.5(MAN1B1):c.1489C>T (p.His497Tyr)

Gene: MAN1B1 (mannosidase alpha class 1B member 1; plus strand). Cytogenetic location: 9q34.3.
Variant type: single nucleotide variant.
Coding change: c.1489C>T on transcript NM_016219.5 (MANE Select); coding-DNA position 1489, C replaced by T.
Protein change: p.His497Tyr; replaces histidine 497 with tyrosine.
Molecular consequence: missense variant. On other transcripts: non-coding transcript variant (2).
Genome position (GRCh38, 1-based): chr9:137,106,732, C>T. VCF-style: chr9-137106732-C-T. GRCh37 (hg19) VCF-style: chr9-140001184-C-T.
Other names: c.1381C>T, p.His461Tyr (NM_007230.1); short protein forms H497Y, H461Y.
Identifiers: ClinVar variation 2958097 (VCV002958097.3), dbSNP rs779058964, ClinGen allele CA5359249.
Genomic context (GRCh38, chr9:137,106,732, plus strand): 5'-ACTGCTGGTGTCCACAGGCTGCTGGAAGACTACGTGGAAGCCATCGAGGGTGTCAGAACG[C>T]ACCTGCTGCGGCACTCCGAGCCCAGTAAGCTCACCTTTGTGGGGGAGCTTGCCCACGGCC-3'
Protein context (NP_057303.2, residues 487-507): YVEAIEGVRT[His497Tyr]LLRHSEPSKL